The following is an entry in ClinVar:

NM_006939.4(SOS2):c.2668-86C>G

Gene: SOS2 (SOS Ras/Rho guanine nucleotide exchange factor 2; minus strand). Cytogenetic location: 14q21.3.
Variant type: single nucleotide variant.
Coding change: c.2668-86C>G on transcript NM_006939.4 (MANE Select); 86 bases into the intron before coding-DNA position 2668, C replaced by G.
Molecular consequence: intron variant.
Genome position (GRCh38, 1-based): chr14:50,140,145, G>C on the plus strand (C>G on the coding strand, the complement: SOS2 is on the minus strand). VCF-style: chr14-50140145-G-C. GRCh37 (hg19) VCF-style: chr14-50606863-G-C.
Identifiers: ClinVar variation 561650 (VCV000561650.2), dbSNP rs74049160, ClinGen allele CA260720241.

ClinVar aggregate classification (germline): Likely benign. Review status: criteria provided, multiple submitters, no conflicts (2 of 4 stars). 2 submissions from 2 submitters: Likely benign (2). Last evaluated 2018-06-14.

Allele frequency attached by ClinVar (database versions not stated): gnomAD exomes 0.00126; gnomAD 0.01110 and 0.01196; TOPMed 0.01306; 1000 Genomes Project 0.01338; 1000 Genomes Project 30x 0.01437.

Submissions (2):

GeneDx
Classification: Likely benign. Last evaluated: 2018-06-14. Review status: criteria provided, single submitter. Criteria: GeneDx Variant Classification (06012015). Collection method: clinical testing. Allele origin: germline. Affected: yes.
Comment: This variant is considered likely benign or benign based on one or more of the following criteria: it is a conservative change, it occurs at a poorly conserved position in the protein, it is predicted to be benign by multiple in silico algorithms, and/or has population frequency not consistent with disease.

Breakthrough Genomics
Classification: Likely benign. Review status: criteria provided, single submitter. Criteria: ACMG Guidelines, 2015. Collection method: not provided. Allele origin: germline. Inheritance: Autosomal dominant inheritance. Affected: yes.